The following is an entry in ClinVar:

NM_014946.4(SPAST):c.1250G>T (p.Gly417Val)

Gene: SPAST (spastin; plus strand). Cytogenetic location: 2p22.3.
Variant type: single nucleotide variant.
Coding change: c.1250G>T on transcript NM_014946.4 (MANE Select); coding-DNA position 1250, G replaced by T.
Protein change: p.Gly417Val; replaces glycine 417 with valine.
Molecular consequence: missense variant.
Genome position (GRCh38, 1-based): chr2:32,136,567, G>T. VCF-style: chr2-32136567-G-T. GRCh37 (hg19) VCF-style: chr2-32361636-G-T.
Other names: c.1247G>T, p.Gly416Val (NM_001363823.2); c.1151G>T, p.Gly384Val (NM_001363875.2); c.1154G>T, p.Gly385Val (NM_001377959.1, NM_199436.2); short protein forms G384V, G385V, G416V, G417V.
Identifiers: ClinVar variation 1076310 (VCV001076310.6), dbSNP rs1553318161, ClinGen allele CA346501836.

ClinVar aggregate classification (germline): Pathogenic. Review status: criteria provided, multiple submitters, no conflicts (2 of 4 stars). 2 submissions from 2 submitters: Pathogenic (2). Last evaluated 2022-06-23.

Conditions:
Hereditary spastic paraplegia 4. Also called: Spastic paraplegia 4, autosomal dominant; Spastic Paraplegia 4; Familial spastic paraplegia autosomal dominant 2. Identifiers: Orphanet 100985, MedGen C1866855, MONDO:0008438, OMIM 182601.

Submissions (2):

GeneDx
Classification: Pathogenic. Last evaluated: 2022-06-23. Review status: criteria provided, single submitter. Criteria: GeneDx Variant Classification Process June 2021. Collection method: clinical testing. Allele origin: germline. Affected: yes.
Comment: Not observed at significant frequency in large population cohorts (gnomAD); In silico analysis supports that this missense variant has a deleterious effect on protein structure/function; Has not been previously published as pathogenic or benign to our knowledge; This variant is associated with the following publications: (PMID: 21139634, 26094131)

Labcorp Genetics (formerly Invitae), Labcorp
Classification: Pathogenic for Hereditary spastic paraplegia 4. Last evaluated: 2021-09-01. Review status: criteria provided, single submitter. Criteria: Invitae Variant Classification Sherloc (09022015). Collection method: clinical testing. Allele origin: germline.